The following is an entry in ClinVar:

NM_015046.7(SETX):c.4699A>G (p.Lys1567Glu)

Gene: SETX (senataxin; minus strand). Cytogenetic location: 9q34.13.
Variant type: single nucleotide variant.
Coding change: c.4699A>G on transcript NM_015046.7 (MANE Select); coding-DNA position 4699, A replaced by G.
Protein change: p.Lys1567Glu; replaces lysine 1567 with glutamic acid.
Molecular consequence: missense variant.
Genome position (GRCh38, 1-based): chr9:132,326,899, T>C on the plus strand (A>G on the coding strand, the complement: SETX is on the minus strand). VCF-style: chr9-132326899-T-C. GRCh37 (hg19) VCF-style: chr9-135202286-T-C.
Other names: c.4699A>G, p.Lys1567Glu (NM_001351527.2, NM_001351528.2); short protein forms K1567E.
Identifiers: ClinVar variation 5041701 (VCV005041701.1).

ClinVar aggregate classification (germline): Uncertain significance (1 of 4 stars; one submission).

Submission:

CeGaT Center for Human Genetics Tuebingen
Classification: Uncertain significance. Last evaluated: 2026-09-01. Review status: criteria provided, single submitter. Criteria: CeGaT Center For Human Genetics Tuebingen Variant Classification Criteria Version 2. Collection method: clinical testing. Allele origin: germline. Affected: yes. Observed: 1 variant allele.
Comment: SETX: PM2, BP4